The following is an entry in ClinVar:

NM_001178020.3(BEAN1):c.289+10C>T

Genes: BEAN1 (brain expressed associated with NEDD4 1; plus strand), BEAN1-AS1 (BEAN1 antisense RNA 1; minus strand). Cytogenetic location: 16q21.
Variant type: single nucleotide variant.
Coding change: c.289+10C>T on transcript NM_001178020.3 (MANE Select); 10 bases into the intron after coding-DNA position 289, C replaced by T.
Molecular consequence: intron variant. On other transcripts: non-coding transcript variant (1).
Genome position (GRCh38, 1-based): chr16:66,469,875, C>T. VCF-style: chr16-66469875-C-T. GRCh37 (hg19) VCF-style: chr16-66503778-C-T.
Other names: c.-39+10C>T (NM_001197224.4, NM_001136106.5).
Identifiers: ClinVar variation 3041320 (VCV003041320.2), dbSNP rs72788593, ClinGen allele CA8093411.

ClinVar aggregate classification (germline): Benign (0 of 4 stars; one submission).

Conditions:
BEAN1-related disorder. Also called: BEAN1-related condition.

Allele frequency attached by ClinVar (database versions not stated): TOPMed 0.01897; gnomAD 0.02017; gnomAD exomes 0.02232; 1000 Genomes Project 30x 0.02623; 1000 Genomes Project 0.02676; ExAC 0.05398.
gnomAD v4.1: 33,862 of 1,531,706 alleles (2.2%); highest among the groups gnomAD compares: South Asian, 6.6%; 598 homozygotes.

Submission:

PreventionGenetics, part of Exact Sciences
Classification: Benign for BEAN1-related condition. Last evaluated: 2019-09-10. Review status: no assertion criteria provided. Collection method: clinical testing. Allele origin: germline.
Comment: This variant is classified as benign based on ACMG/AMP sequence variant interpretation guidelines (Richards et al. 2015 PMID: 25741868, with internal and published modifications).